The following is an entry in ClinVar:

ClinVar aggregate classification (germline): Likely benign (1 of 4 stars; one submission).

gnomAD v4.1: 2 of 1,569,820 alleles (0.00013%); highest among the groups gnomAD compares: Middle Eastern, 0.017%; no homozygotes.

Submission:

CeGaT Center for Human Genetics Tuebingen
Classification: Likely benign. Last evaluated: 2025-08-01. Review status: criteria provided, single submitter. Criteria: CeGaT Center For Human Genetics Tuebingen Variant Classification Criteria Version 2. Collection method: clinical testing. Allele origin: germline. Affected: yes. Observed: 1 variant allele.
Comment: VPS13C: BP4, BP7

NM_020821.3(VPS13C):c.9891A>C (p.Thr3297=)

Gene: VPS13C (vacuolar protein sorting 13 homolog C; minus strand). Cytogenetic location: 15q22.2.
Variant type: single nucleotide variant.
Coding change: c.9891A>C on transcript NM_020821.3 (MANE Select); coding-DNA position 9891, A replaced by C.
Protein change: p.Thr3297=; no amino-acid change (threonine 3297 retained).
Molecular consequence: synonymous variant.
Genome position (GRCh38, 1-based): chr15:61,880,720, T>G on the plus strand (A>C on the coding strand, the complement: VPS13C is on the minus strand). VCF-style: chr15-61880720-T-G. GRCh37 (hg19) VCF-style: chr15-62172919-T-G.
Other names: c.9891A>C, p.Thr3297= (NM_001018088.3); c.9762A>C, p.Thr3254= (NM_017684.5, NM_018080.4).
Identifiers: ClinVar variation 4085870 (VCV004085870.8).